The following is an entry in ClinVar:

ClinVar aggregate classification (germline): Uncertain significance (1 of 4 stars; one submission).

Conditions:
Congenital contractural arachnodactyly (CCA). Also called: Arthrogryposis, distal, type 9; BEALS SYNDROME; Beals-Hecht syndrome. Identifiers: Orphanet 115, MedGen C0220668, MONDO:0007363, OMIM 121050.

Submission:

Labcorp Genetics (formerly Invitae), Labcorp
Classification: Uncertain significance for Congenital contractural arachnodactyly. Last evaluated: 2022-10-31. Review status: criteria provided, single submitter. Criteria: Invitae Variant Classification Sherloc (09022015). Collection method: clinical testing. Allele origin: germline.
Comment: This variant is not present in population databases (gnomAD no frequency). In summary, the available evidence is currently insufficient to determine the role of this variant in disease. Therefore, it has been classified as a Variant of Uncertain Significance. Advanced modeling of protein sequence and biophysical properties (such as structural, functional, and spatial information, amino acid conservation, physicochemical variation, residue mobility, and thermodynamic stability) performed at Invitae indicates that this missense variant is not expected to disrupt FBN2 protein function. This variant has not been reported in the literature in individuals affected with FBN2-related conditions. This sequence change replaces asparagine, which is neutral and polar, with serine, which is neutral and polar, at codon 1642 of the FBN2 protein (p.Asn1642Ser).

NM_001999.4(FBN2):c.4925A>G (p.Asn1642Ser)

Gene: FBN2 (fibrillin 2; minus strand). Cytogenetic location: 5q23.3.
Variant type: single nucleotide variant.
Coding change: c.4925A>G on transcript NM_001999.4 (MANE Select); coding-DNA position 4925, A replaced by G.
Protein change: p.Asn1642Ser; replaces asparagine 1642 with serine.
Molecular consequence: missense variant.
Genome position (GRCh38, 1-based): chr5:128,311,908, T>C on the plus strand (A>G on the coding strand, the complement: FBN2 is on the minus strand). VCF-style: chr5-128311908-T-C. GRCh37 (hg19) VCF-style: chr5-127647600-T-C.
Other names: short protein forms N1642S.
Identifiers: ClinVar variation 2810903 (VCV002810903.3), dbSNP rs2479741605, ClinGen allele CA360746363.
Genomic context (GRCh38, chr5:128,311,908, plus strand): 5'-CCTTGTTTGAATCTGGGTGACAATGGGATTAGCTCACCTTCTAAAATGATTGTGATGGGG[T>C]TAGGTCTGAAGCCTTCACCTCCGGGACACAGGGTGTAATATTCAGCTACAAAACAATAGA-3'
Protein context (NP_001990.2, residues 1632-1652): LCPGGEGFRP[Asn1642Ser]PITIILEDID